The following is an entry in ClinVar:

NM_000365.6(TPI1):c.366C>T (p.Leu122=)

Gene: TPI1 (triosephosphate isomerase 1; plus strand). Cytogenetic location: 12p13.31.
Variant type: single nucleotide variant.
Coding change: c.366C>T on transcript NM_000365.6 (MANE Select); coding-DNA position 366, C replaced by T.
Protein change: p.Leu122=; no amino-acid change (leucine 122 retained).
Molecular consequence: synonymous variant.
Genome position (GRCh38, 1-based): chr12:6,869,299, C>T. VCF-style: chr12-6869299-C-T. GRCh37 (hg19) VCF-style: chr12-6978463-C-T.
Other names: c.477C>T, p.Leu159= (NM_001159287.1); c.120C>T, p.Leu40= (NM_001258026.2).
Identifiers: ClinVar variation 719916 (VCV000719916.25), dbSNP rs138131191, ClinGen allele CA6418916.

ClinVar aggregate classification (germline): Conflicting classifications of pathogenicity. Review status: criteria provided, conflicting classifications (1 of 4 stars). 6 submissions from 6 submitters: Uncertain significance (1); Likely benign (5). Last evaluated 2026-03-24.

Conditions:
Triosephosphate isomerase deficiency (TPID). Also called: Triose phosphate isomerase deficiency. Identifiers: Orphanet 868, MedGen C1860808, MONDO:0014221, OMIM 615512.
TPI1-related disorder. Also called: TPI1-related condition.

Allele frequency attached by ClinVar (database versions not stated): 1000 Genomes Project 30x 0.00016; 1000 Genomes Project 0.00020; ExAC 0.00054; gnomAD exomes 0.00060; TOPMed 0.00077; gnomAD 0.00081; ESP Exome Variant Server 0.00100.
gnomAD v4.1: 1,896 of 1,613,980 alleles (0.12%); highest among the groups gnomAD compares: Non-Finnish European, 0.15%; no homozygotes.

Submissions (6):

PreventionGenetics, part of Exact Sciences
Classification: Likely benign for TPI1-related condition. Last evaluated: 2026-03-24. Review status: criteria provided, single submitter. Criteria: ACMG Guidelines, 2015. Collection method: clinical testing. Allele origin: germline.
Comment: This variant is classified as likely benign based on ACMG/AMP sequence variant interpretation guidelines (Richards et al. 2015 PMID: 25741868, with internal and published modifications).

Labcorp Genetics (formerly Invitae), Labcorp
Classification: Likely benign. Last evaluated: 2025-12-18. Review status: criteria provided, single submitter. Criteria: Invitae Variant Classification Sherloc (09022015). Collection method: clinical testing. Allele origin: germline.

CeGaT Center for Human Genetics Tuebingen
Classification: Likely benign. Last evaluated: 2025-08-01. Review status: criteria provided, single submitter. Criteria: CeGaT Center For Human Genetics Tuebingen Variant Classification Criteria Version 2. Collection method: clinical testing. Allele origin: germline. Affected: yes. Observed: 1 variant allele.
Comment: TPI1: BP4, BP7

Blueprint Genetics
Classification: Likely benign. Last evaluated: 2024-10-07. Review status: criteria provided, single submitter. Criteria: ACMG Guidelines, 2015. Collection method: clinical testing. Allele origin: germline.

ARUP Laboratories, Molecular Genetics and Genomics, ARUP Laboratories
Classification: Likely benign for Triosephosphate isomerase deficiency. Last evaluated: 2024-06-18. Review status: criteria provided, single submitter. Criteria: ARUP Molecular Germline Variant Investigation Process 2024. Collection method: clinical testing. Allele origin: germline.

Illumina Laboratory Services, Illumina
Classification: Uncertain significance for Triosephosphate isomerase deficiency. Last evaluated: 2018-01-13. Review status: criteria provided, single submitter. Criteria: ICSL Variant Classification Criteria 13 December 2019. Collection method: clinical testing. Allele origin: germline.